The following is an entry in ClinVar:

ClinVar aggregate classification (germline): Uncertain significance (1 of 4 stars; one submission).

Conditions:
Immunodeficiency 35 (IMD35). Also called: HIES WITH ATYPICAL MYCOBACTERIOSIS, AUTOSOMAL RECESSIVE; HYPER-IgE SYNDROME WITH ATYPICAL MYCOBACTERIOSIS, AUTOSOMAL RECESSIVE; TYK2 DEFICIENCY; Susceptibility to infection due to TYK2 deficiency. Identifiers: Orphanet 331226, MedGen C1969086, MONDO:0012682, OMIM 611521.

Allele frequency attached by ClinVar (database versions not stated): TOPMed 0.00001; gnomAD 0.00002; gnomAD exomes 0.00002; ExAC 0.00005.
gnomAD v4.1: 28 of 1,497,406 alleles (0.0019%); highest among the groups gnomAD compares: South Asian, 0.0068%; no homozygotes.

Submission:

Labcorp Genetics (formerly Invitae), Labcorp
Classification: Uncertain significance for Immunodeficiency 35. Last evaluated: 2022-07-15. Review status: criteria provided, single submitter. Criteria: Invitae Variant Classification Sherloc (09022015). Collection method: clinical testing. Allele origin: germline.
Comment: This sequence change replaces serine, which is neutral and polar, with asparagine, which is neutral and polar, at codon 994 of the TYK2 protein (p.Ser994Asn). The frequency data for this variant in the population databases is considered unreliable, as metrics indicate poor data quality at this position in the gnomAD database. This variant has not been reported in the literature in individuals affected with TYK2-related conditions. Algorithms developed to predict the effect of missense changes on protein structure and function output the following: SIFT: "Not Available"; PolyPhen-2: "Benign"; Align-GVGD: "Not Available". The asparagine amino acid residue is found in multiple mammalian species, which suggests that this missense change does not adversely affect protein function. In summary, the available evidence is currently insufficient to determine the role of this variant in disease. Therefore, it has been classified as a Variant of Uncertain Significance.

NM_003331.5(TYK2):c.2981G>A (p.Ser994Asn)

Gene: TYK2 (tyrosine kinase 2; minus strand). Cytogenetic location: 19p13.2.
Variant type: single nucleotide variant.
Coding change: c.2981G>A on transcript NM_003331.5 (MANE Select); coding-DNA position 2981, G replaced by A.
Protein change: p.Ser994Asn; replaces serine 994 with asparagine.
Molecular consequence: missense variant.
Genome position (GRCh38, 1-based): chr19:10,353,574, C>T on the plus strand (G>A on the coding strand, the complement: TYK2 is on the minus strand). VCF-style: chr19-10353574-C-T. GRCh37 (hg19) VCF-style: chr19-10464250-C-T.
Other names: c.2981G>A, p.Ser994Asn (NM_001385197.1, NM_001385198.1, NM_001406461.1); c.2795G>A, p.Ser932Asn (NM_001385199.1); c.2978G>A, p.Ser993Asn (NM_001385200.1); c.2783G>A, p.Ser928Asn (NM_001385201.1); c.2897G>A, p.Ser966Asn (NM_001385202.1); c.3062G>A, p.Ser1021Asn (NM_001385203.1); c.3191G>A, p.Ser1064Asn (NM_001385204.1); c.2891G>A, p.Ser964Asn (NM_001385205.1); and 2 more; short protein forms S952N, S964N, S1064N, S928N, S966N, S994N, S1021N, S932N.
Identifiers: ClinVar variation 2057773 (VCV002057773.1), dbSNP rs753617141, ClinGen allele CA9192853.